The following is an entry in ClinVar:

NM_000540.3(RYR1):c.3391T>G (p.Trp1131Gly)

Gene: RYR1 (ryanodine receptor 1; plus strand). Cytogenetic location: 19q13.2.
Variant type: single nucleotide variant.
Coding change: c.3391T>G on transcript NM_000540.3 (MANE Select); coding-DNA position 3391, T replaced by G.
Protein change: p.Trp1131Gly; replaces tryptophan 1131 with glycine.
Molecular consequence: missense variant.
Genome position (GRCh38, 1-based): chr19:38,468,975, T>G. VCF-style: chr19-38468975-T-G. GRCh37 (hg19) VCF-style: chr19-38959615-T-G.
Other names: c.3391T>G, p.Trp1131Gly (NM_001042723.2); short protein forms W1131G.
Identifiers: ClinVar variation 3370350 (VCV003370350.1).

ClinVar aggregate classification (germline): Uncertain significance (1 of 4 stars; one submission).

Conditions:
Central core myopathy (CMYO1A). Also called: CONGENITAL MYOPATHY 1A, AUTOSOMAL DOMINANT, WITH SUSCEPTIBILITY TO MALIGNANT HYPERTHERMIA; Central core disease; Myopathy, central fibrillar. Identifiers: Orphanet 597, MedGen C5830701, MONDO:0007294, OMIM 117000.

Submission:

MVZ Medizinische Genetik Mainz
Classification: Uncertain significance for Central core myopathy. Last evaluated: 2024-10-04. Review status: criteria provided, single submitter. Criteria: UK Practice Guidelines For Variant Classification V4 01 2020. Collection method: clinical testing. Allele origin: germline. Inheritance: Autosomal dominant inheritance. Affected: yes. Observed: 1 variant allele.
Comment: ACMG Criteria: PM2_SUP,PP3